The following is an entry in ClinVar:

NM_003482.4(KMT2D):c.8740C>T (p.His2914Tyr)

Gene: KMT2D (lysine methyltransferase 2D; minus strand). Cytogenetic location: 12q13.12.
Variant type: single nucleotide variant.
Coding change: c.8740C>T on transcript NM_003482.4 (MANE Select); coding-DNA position 8740, C replaced by T.
Protein change: p.His2914Tyr; replaces histidine 2914 with tyrosine.
Molecular consequence: missense variant.
Genome position (GRCh38, 1-based): chr12:49,038,616, G>A on the plus strand (C>T on the coding strand, the complement: KMT2D is on the minus strand). VCF-style: chr12-49038616-G-A. GRCh37 (hg19) VCF-style: chr12-49432399-G-A.
Other names: c.8740C>T (NM_003482.3); short protein forms H2914Y.
Identifiers: ClinVar variation 1379081 (VCV001379081.9), dbSNP rs1386859726, ClinGen allele CA384740981.
Genomic context (GRCh38, chr12:49,038,616, plus strand): 5'-GTTTCTGTGGGGGAAGACCTGATACCGCCAGGCCCCGAAGCCCTTCAGGAGCCAGTCGGT[G>A]GGGGTCCTCACTTACAGGGTAAAAACGGGGTCTCTGAGGTGGGCCCTGACCAGGAAACGG-3'
Protein context (NP_003473.3, residues 2904-2924): PRFYPVSEDP[His2914Tyr]RLAPEGLRGL

ClinVar aggregate classification (germline): Conflicting classifications of pathogenicity. Review status: criteria provided, conflicting classifications (1 of 4 stars). 3 submissions from 3 submitters: Uncertain significance (2); Likely benign (1). Last evaluated 2026-06-23.

Conditions:
Kabuki syndrome. Also called: Kabuki make-up syndrome; NIIKAWA-KUROKI SYNDROME. Identifiers: Orphanet 2322, MedGen C0796004, MONDO:0016512.
Kabuki syndrome 1 (KABUK1). Also called: KMT2D-Related Kabuki Syndrome. Identifiers: Orphanet 2322, MedGen CN030661, MONDO:0007843, OMIM 147920.
Choanal atresia-athelia-hypothyroidism-delayed puberty-short stature syndrome (BCAHH). Also called: BRANCHIAL ARCH ABNORMALITIES, CHOANAL ATRESIA, ATHELIA, HEARING LOSS, AND HYPOTHYROIDISM SYNDROME. Identifiers: Orphanet 589856, MedGen C5680310, MONDO:0035651, OMIM 620186.
KMT2D-related disorder. Also called: KMT2D-Related Disorders.

Allele frequency attached by ClinVar (database versions not stated): gnomAD 0.00001; TOPMed 0.00002.
gnomAD v4.1: 2 of 1,612,900 alleles (0.00012%); highest among the groups gnomAD compares: Admixed American, 0.0033%; no homozygotes.

Submissions (3):

PreventionGenetics, part of Exact Sciences
Classification: Uncertain significance for KMT2D-related condition. Last evaluated: 2026-06-23. Review status: criteria provided, single submitter. Criteria: ACMG Guidelines, 2015. Collection method: clinical testing. Allele origin: germline.
Comment: The KMT2D c.8740C>T variant is predicted to result in the amino acid substitution p.His2914Tyr. This variant has been reported along with another KMT2D variant, and other variants in congenital heart disease candidate genes, in an individual with tetralogy of fallot (Data Set 4, Sierant et al. 2025. PubMed ID: 40127276). This variant has not been reported in a large population database (gnomAD), indicating this variant is rare. At this time, the clinical significance of this variant is uncertain due to the absence of conclusive functional and genetic evidence.

Labcorp Genetics (formerly Invitae), Labcorp
Classification: Likely benign for Kabuki syndrome. Last evaluated: 2024-08-30. Review status: criteria provided, single submitter. Criteria: Invitae Variant Classification Sherloc (09022015). Collection method: clinical testing. Allele origin: germline.

Fulgent Genetics
Classification: Uncertain significance for Kabuki syndrome 1; Choanal atresia-athelia-hypothyroidism-delayed puberty-short stature syndrome. Last evaluated: 2024-04-08. Review status: criteria provided, single submitter. Criteria: ACMG Guidelines, 2015. Collection method: clinical testing. Allele origin: germline.